The following is an entry in ClinVar:

NM_006767.4(LZTR1):c.584G>T (p.Gly195Val)

Gene: LZTR1 (leucine zipper like post translational regulator 1; plus strand). Cytogenetic location: 22q11.21.
Variant type: single nucleotide variant.
Coding change: c.584G>T on transcript NM_006767.4 (MANE Select); coding-DNA position 584, G replaced by T.
Protein change: p.Gly195Val; replaces glycine 195 with valine.
Molecular consequence: missense variant.
Genome position (GRCh38, 1-based): chr22:20,988,863, G>T. VCF-style: chr22-20988863-G-T. GRCh37 (hg19) VCF-style: chr22-21343152-G-T.
Other names: short protein forms G195V.
Identifiers: ClinVar variation 3238311 (VCV003238311.1), dbSNP rs777756228.

ClinVar aggregate classification (germline): Uncertain significance (1 of 4 stars; one submission).

Conditions:
Hereditary cancer-predisposing syndrome. Also called: Neoplastic Syndromes, Hereditary; Tumor predisposition; Hereditary neoplastic syndrome; Hereditary Cancer Syndrome. Identifiers: Orphanet 140162, MedGen C0027672, MeSH D009386, MONDO:0015356.
Cardiovascular phenotype. Identifiers: MedGen CN230736.

Submission:

Ambry Genetics
Classification: Uncertain significance for Cardiovascular phenotype; Hereditary cancer-predisposing syndrome. Last evaluated: 2023-11-08. Review status: criteria provided, single submitter. Criteria: Ambry Variant Classification Scheme 2023. Collection method: clinical testing. Allele origin: germline.
Comment: The p.G195V variant (also known as c.584G>T), located in coding exon 6 of the LZTR1 gene, results from a G to T substitution at nucleotide position 584. The glycine at codon 195 is replaced by valine, an amino acid with dissimilar properties. This amino acid position is conserved. In addition, this alteration is predicted to be deleterious by in silico analysis. Since supporting evidence is limited at this time, the clinical significance of this alteration remains unclear.